The following is an entry in ClinVar:

NM_000090.4(COL3A1):c.952-18G>A

Gene: COL3A1 (collagen type III alpha 1 chain; plus strand). Cytogenetic location: 2q32.2.
Variant type: single nucleotide variant.
Coding change: c.952-18G>A on transcript NM_000090.4 (MANE Select); 18 bases into the intron before coding-DNA position 952, G replaced by A.
Molecular consequence: intron variant.
Genome position (GRCh38, 1-based): chr2:188,992,166, G>A. VCF-style: chr2-188992166-G-A. GRCh37 (hg19) VCF-style: chr2-189856892-G-A.
Identifiers: ClinVar variation 682281 (VCV000682281.9), dbSNP rs996947690, ClinGen allele CA62593415.
Genomic context (GRCh38, chr2:188,992,166, plus strand): 5'-CAGAATTTTGGTCAAAATATTACTCATGACCAGCCATTCAGAATTAAAAGGATATTTGAT[G>A]TAAACTTCTCTTTTTAGGGTGCTCGGGGTAATGACGGTGCTCGAGGCAGTGATGGTCAAC-3'

ClinVar aggregate classification (germline): Likely benign. Review status: criteria provided, multiple submitters, no conflicts (2 of 4 stars). 2 submissions from 2 submitters: Likely benign (2). Last evaluated 2023-11-08.

Conditions:
Ehlers-Danlos syndrome, type 4 (EDSVASC). Also called: Ehlers-Danlos syndrome vascular type; Ehlers Danlos syndrome, ecchymotic type; Ehlers Danlos syndrome, arterial type; Ehlers Danlos syndrome, Sack-Barabas type; Ehlers-Danlos Syndrome Type IV. Identifiers: Orphanet 286, MedGen C0268338, MONDO:0017314, OMIM 130050.

Allele frequency attached by ClinVar (database versions not stated): gnomAD exomes 0.00001; TOPMed 0.00001; gnomAD 0.00001.

Submissions (2):

Labcorp Genetics (formerly Invitae), Labcorp
Classification: Likely benign for Ehlers-Danlos syndrome, type 4. Last evaluated: 2023-11-08. Review status: criteria provided, single submitter. Criteria: Invitae Variant Classification Sherloc (09022015). Collection method: clinical testing. Allele origin: germline.

GeneDx
Classification: Likely benign. Last evaluated: 2018-04-27. Review status: criteria provided, single submitter. Criteria: GeneDx Variant Classification (06012015). Collection method: clinical testing. Allele origin: germline. Affected: yes.
Comment: This variant is considered likely benign or benign based on one or more of the following criteria: it is a conservative change, it occurs at a poorly conserved position in the protein, it is predicted to be benign by multiple in silico algorithms, and/or has population frequency not consistent with disease.